The following is an entry in ClinVar:

ClinVar aggregate classification (germline): Likely benign (1 of 4 stars; one submission).

Conditions:
DYRK1B-related disorder. Also called: DYRK1B-related condition.

Submission:

PreventionGenetics, part of Exact Sciences
Classification: Likely benign for DYRK1B-related condition. Last evaluated: 2025-02-08. Review status: criteria provided, single submitter. Criteria: ACMG Guidelines, 2015. Collection method: clinical testing. Allele origin: germline.
Comment: This variant is classified as likely benign based on ACMG/AMP sequence variant interpretation guidelines (Richards et al. 2015 PMID: 25741868, with internal and published modifications).

NM_004714.3(DYRK1B):c.666C>T (p.Cys222=)

Gene: DYRK1B (dual specificity tyrosine phosphorylation regulated kinase 1B; minus strand). Cytogenetic location: 19q13.2.
Variant type: single nucleotide variant.
Coding change: c.666C>T on transcript NM_004714.3 (MANE Select); coding-DNA position 666, C replaced by T.
Protein change: p.Cys222=; no amino-acid change (cysteine 222 retained).
Molecular consequence: synonymous variant.
Genome position (GRCh38, 1-based): chr19:39,828,438, G>A on the plus strand (C>T on the coding strand, the complement: DYRK1B is on the minus strand). VCF-style: chr19-39828438-G-A. GRCh37 (hg19) VCF-style: chr19-40319078-G-A.
Other names: c.666C>T, p.Cys222= (NM_006483.3, NM_006484.3).
Identifiers: ClinVar variation 5001959 (VCV005001959.1).
Genomic context (GRCh38, chr19:39,828,438, plus strand): 5'-GGGCTTGAGGTCGCAGTGAATGATGCTGAGCTCAGGCGTGGCCAGAAAGAGCAGTGCCGT[G>A]CAGAGCTGCTGCGCCAGCTTCCGGGTCAGGTTCAGCGAGACGCCGCGGAAGTGGGTGTTG-3'
Protein context (NP_004705.1, residues 212-232): NLTRKLAQQL[Cys222=]TALLFLATPE